The following is an entry in ClinVar:

NM_000414.4(HSD17B4):c.740-16T>G

Gene: HSD17B4 (hydroxysteroid 17-beta dehydrogenase 4; plus strand). Cytogenetic location: 5q23.1.
Variant type: single nucleotide variant.
Coding change: c.740-16T>G on transcript NM_000414.4 (MANE Select); 16 bases into the intron before coding-DNA position 740, T replaced by G.
Molecular consequence: intron variant. On other transcripts: non-coding transcript variant (1).
Genome position (GRCh38, 1-based): chr5:119,493,802, T>G. VCF-style: chr5-119493802-T-G. GRCh37 (hg19) VCF-style: chr5-118829497-T-G.
Other names: p.?; c.329-16T>G (NM_001374503.1, NM_001374502.1, NM_001374501.1); c.815-16T>G (NM_001199291.3); c.413-16T>G (NM_001374499.1); c.299-16T>G (NM_001374500.1); c.320-16T>G (NM_001292028.2); c.668-16T>G (NM_001292027.2); c.740-16T>G (NM_001374498.1); and 2 more.
Identifiers: ClinVar variation 1204481 (VCV001204481.13), dbSNP rs35416500, ClinGen allele CA3381971.

ClinVar aggregate classification (germline): Benign/Likely benign. Review status: criteria provided, multiple submitters, no conflicts (2 of 4 stars). 3 submissions from 3 submitters: Benign (2); Likely benign (1). Last evaluated 2026-01-28.

Conditions:
Bifunctional peroxisomal enzyme deficiency (DBIF). Also called: DBP DEFICIENCY; PBFE DEFICIENCY; D-bifunctional protein deficiency. Identifiers: Orphanet 300, MedGen C0342870, MONDO:0009855, OMIM 261515. Disease mechanism: loss of function.
Perrault syndrome. Also called: Gonadal dysgenesis with auditory dysfunction, autosomal recessive inheritance. Identifiers: Orphanet 2855, MedGen C0685838, MONDO:0017312.

Allele frequency attached by ClinVar (database versions not stated): gnomAD exomes 0.00068 and 0.00184; ExAC 0.00227; gnomAD 0.00733 and 0.00789; ESP Exome Variant Server 0.00808; TOPMed 0.00875; 1000 Genomes Project 0.00919; 1000 Genomes Project 30x 0.00999.
gnomAD v4.1: 2,130 of 1,611,166 alleles (0.13%); highest among the groups gnomAD compares: African/African-American, 2.6%; 20 homozygotes.

Submissions (19):

Labcorp Genetics (formerly Invitae), Labcorp
Classification: Benign for Perrault syndrome; Bifunctional peroxisomal enzyme deficiency. Last evaluated: 2026-01-28. Review status: criteria provided, single submitter. Criteria: Invitae Variant Classification Sherloc (09022015). Collection method: clinical testing. Allele origin: germline.

Mayo Clinic Laboratories, Mayo Clinic
Classification: Benign. Last evaluated: 2021-09-15. Review status: criteria provided, single submitter. Criteria: ACMG Guidelines, 2015. Collection method: clinical testing. Allele origin: germline. Observed: 9 variant alleles.
Comment: BA1, BP4

GeneDx
Classification: Likely benign. Last evaluated: 2018-09-01. Review status: criteria provided, single submitter. Criteria: GeneDx Variant Classification Process June 2021. Collection method: clinical testing. Allele origin: germline. Affected: yes.

Dr. Peter K. Rogan Lab, Western University
No classification provided (evidence only). Condition: Lung cancer. Review status: no classification provided. Collection method: in vitro. Allele origin: not applicable. Functional consequence: retained intron. Not counted in ClinVar's aggregate classification.

Dr. Peter K. Rogan Lab, Western University
No classification provided (evidence only). Condition: Lung cancer. Review status: no classification provided. Collection method: in vitro. Allele origin: not applicable. Functional consequence: retained intron. Not counted in ClinVar's aggregate classification.

Dr. Peter K. Rogan Lab, Western University
No classification provided (evidence only). Condition: Lung cancer. Review status: no classification provided. Collection method: in vitro. Allele origin: not applicable. Functional consequence: retained intron. Not counted in ClinVar's aggregate classification.

Dr. Peter K. Rogan Lab, Western University
No classification provided (evidence only). Condition: Acute myeloid leukemia. Review status: no classification provided. Collection method: in vitro. Allele origin: not applicable. Functional consequence: retained intron. Not counted in ClinVar's aggregate classification.

Dr. Peter K. Rogan Lab, Western University
No classification provided (evidence only). Condition: Uterine corpus endometrial carcinoma. Review status: no classification provided. Collection method: in vitro. Allele origin: not applicable. Functional consequence: retained intron. Not counted in ClinVar's aggregate classification.

Dr. Peter K. Rogan Lab, Western University
No classification provided (evidence only). Condition: Uterine corpus endometrial carcinoma. Review status: no classification provided. Collection method: in vitro. Allele origin: not applicable. Functional consequence: retained intron. Not counted in ClinVar's aggregate classification.

Dr. Peter K. Rogan Lab, Western University
No classification provided (evidence only). Condition: Uterine corpus endometrial carcinoma. Review status: no classification provided. Collection method: in vitro. Allele origin: not applicable. Functional consequence: retained intron. Not counted in ClinVar's aggregate classification.

Dr. Peter K. Rogan Lab, Western University
No classification provided (evidence only). Condition: Uterine corpus endometrial carcinoma. Review status: no classification provided. Collection method: in vitro. Allele origin: not applicable. Functional consequence: retained intron. Not counted in ClinVar's aggregate classification.

Dr. Peter K. Rogan Lab, Western University
No classification provided (evidence only). Condition: Cervical cancer. Review status: no classification provided. Collection method: in vitro. Allele origin: not applicable. Functional consequence: retained intron. Not counted in ClinVar's aggregate classification.

Dr. Peter K. Rogan Lab, Western University
No classification provided (evidence only). Condition: Cervical cancer. Review status: no classification provided. Collection method: in vitro. Allele origin: not applicable. Functional consequence: retained intron. Not counted in ClinVar's aggregate classification.

Dr. Peter K. Rogan Lab, Western University
No classification provided (evidence only). Condition: Cervical cancer. Review status: no classification provided. Collection method: in vitro. Allele origin: not applicable. Functional consequence: retained intron. Not counted in ClinVar's aggregate classification.

Dr. Peter K. Rogan Lab, Western University
No classification provided (evidence only). Condition: Cervical cancer. Review status: no classification provided. Collection method: in vitro. Allele origin: not applicable. Functional consequence: retained intron. Not counted in ClinVar's aggregate classification.

Dr. Peter K. Rogan Lab, Western University
No classification provided (evidence only). Condition: Sarcoma. Review status: no classification provided. Collection method: in vitro. Allele origin: not applicable. Functional consequence: retained intron. Not counted in ClinVar's aggregate classification.

Dr. Peter K. Rogan Lab, Western University
No classification provided (evidence only). Condition: Ovarian serous cystadenocarcinoma. Review status: no classification provided. Collection method: in vitro. Allele origin: not applicable. Functional consequence: retained intron. Not counted in ClinVar's aggregate classification.

Dr. Peter K. Rogan Lab, Western University
No classification provided (evidence only). Condition: Ovarian serous cystadenocarcinoma. Review status: no classification provided. Collection method: in vitro. Allele origin: not applicable. Functional consequence: retained intron. Not counted in ClinVar's aggregate classification.

Dr. Peter K. Rogan Lab, Western University
No classification provided (evidence only). Condition: Ovarian serous cystadenocarcinoma. Review status: no classification provided. Collection method: in vitro. Allele origin: not applicable. Functional consequence: retained intron. Not counted in ClinVar's aggregate classification.